The following is an entry in ClinVar:

NM_003924.4(PHOX2B):c.325del (p.Gln109fs)

Gene: PHOX2B (paired like homeobox 2B; minus strand). Cytogenetic location: 4p13.
Variant type: Deletion.
Coding change: c.325del on transcript NM_003924.4 (MANE Select); coding-DNA position 325, one base deleted (C; older notation c.325delC).
Protein change: p.Gln109fs; shifts the reading frame from glutamine 109.
Molecular consequence: frameshift variant.
Genome position (GRCh38, 1-based): chr4:41,747,453, G deleted on the plus strand (C on the coding strand, the reverse complement: PHOX2B is on the minus strand); the first of 3 consecutive G bases (chr4:41,747,453-41,747,455); deleting any one gives the same sequence. VCF-style (leftmost placement, unchanged base first): chr4-41747452-TG-T. GRCh37 (hg19) VCF-style: chr4-41749469-TG-T.
Other names: short protein forms Q109fs.
Identifiers: ClinVar variation 984933 (VCV000984933.1), dbSNP rs1733945703, ClinGen allele CA1139658467.

ClinVar aggregate classification (germline): Likely pathogenic (1 of 4 stars; one submission).

Conditions:
Congenital central hypoventilation syndrome, with or without Hirschsprung disease.

Submission:

Rady Children's Institute for Genomic Medicine, Rady Children's Hospital San Diego
Classification: Likely pathogenic for Congenital central hypoventilation syndrome, with or without Hirschsprung disease. Last evaluated: 2020-02-10. Review status: criteria provided, single submitter. Criteria: ACMG Guidelines, 2015. Collection method: clinical testing. Allele origin: germline. Affected: yes.
Comment: This frameshifting variant in exon 2 of 3 introduces a premature stop codon and is therefore predicted to result in loss of normal protein function. The majority of pathogenic PHOX2B alterations reported are poly-alanine repeat expansion variants; however, loss of function variants in PHOX2B have been reported in individuals with congenital central hypoventilation syndrome (PMID: 15121777, 15657873). This variant has not been previously reported or functionally characterized in the literature to our knowledge. It is absent from the ExAC and gnomAD population databases and thus is presumed to be rare. Based on the available evidence, the c.325del (p.Gln109SerfsTer25) variant is classified as Likely Pathogenic.